The following is an entry in ClinVar:

NM_016938.5(EFEMP2):c.1123G>C (p.Ala375Pro)

Gene: EFEMP2 (EGF-like fibulin extracellular matrix protein 2; minus strand). Cytogenetic location: 11q13.1.
Variant type: single nucleotide variant.
Coding change: c.1123G>C on transcript NM_016938.5 (MANE Select); coding-DNA position 1123, G replaced by C.
Protein change: p.Ala375Pro; replaces alanine 375 with proline.
Molecular consequence: missense variant. On other transcripts: non-coding transcript variant (1).
Genome position (GRCh38, 1-based): chr11:65,867,908, C>G on the plus strand (G>C on the coding strand, the complement: EFEMP2 is on the minus strand). VCF-style: chr11-65867908-C-G. GRCh37 (hg19) VCF-style: chr11-65635379-C-G.
Other names: short protein forms A375P.
Identifiers: ClinVar variation 1715946 (VCV001715946.5), dbSNP rs1565272662, ClinGen allele CA381351135.

ClinVar aggregate classification (germline): Uncertain significance (1 of 4 stars; one submission).

Conditions:
Cutis laxa, autosomal recessive, type 1B (ARCL1B). Also called: EFEMP2-Related Cutis Laxa; CUTIS LAXA, AUTOSOMAL RECESSIVE, TYPE IB. Identifiers: Orphanet 90349, MedGen C3280798, MONDO:0013754, OMIM 614437. Disease mechanism: loss of function.

Submission:

Labcorp Genetics (formerly Invitae), Labcorp
Classification: Uncertain significance for Cutis laxa, autosomal recessive, type 1B. Last evaluated: 2022-08-09. Review status: criteria provided, single submitter. Criteria: Invitae Variant Classification Sherloc (09022015). Collection method: clinical testing. Allele origin: germline.
Comment: This sequence change replaces alanine, which is neutral and non-polar, with proline, which is neutral and non-polar, at codon 375 of the EFEMP2 protein (p.Ala375Pro). In summary, the available evidence is currently insufficient to determine the role of this variant in disease. Therefore, it has been classified as a Variant of Uncertain Significance. Algorithms developed to predict the effect of missense changes on protein structure and function (SIFT, PolyPhen-2, Align-GVGD) all suggest that this variant is likely to be disruptive. This variant has not been reported in the literature in individuals affected with EFEMP2-related conditions. This variant is not present in population databases (gnomAD no frequency).